The following is an entry in ClinVar:

ClinVar aggregate classification (germline): Uncertain significance (1 of 4 stars; one submission).

Conditions:
Tuberous sclerosis 1 (TSC1). Identifiers: Orphanet 805, MedGen C1854465, MONDO:0008612, OMIM 191100.

Submission:

Labcorp Genetics (formerly Invitae), Labcorp
Classification: Uncertain significance for Tuberous sclerosis 1. Last evaluated: 2023-11-11. Review status: criteria provided, single submitter. Criteria: Invitae Variant Classification Sherloc (09022015). Collection method: clinical testing. Allele origin: germline.
Comment: This sequence change replaces aspartic acid, which is acidic and polar, with valine, which is neutral and non-polar, at codon 998 of the TSC1 protein (p.Asp998Val). This variant is not present in population databases (gnomAD no frequency). This variant has not been reported in the literature in individuals affected with TSC1-related conditions. ClinVar contains an entry for this variant (Variation ID: 1718899). Advanced modeling of protein sequence and biophysical properties (such as structural, functional, and spatial information, amino acid conservation, physicochemical variation, residue mobility, and thermodynamic stability) performed at Invitae indicates that this missense variant is not expected to disrupt TSC1 protein function with a negative predictive value of 95%. In summary, the available evidence is currently insufficient to determine the role of this variant in disease. Therefore, it has been classified as a Variant of Uncertain Significance.

NM_000368.5(TSC1):c.2993A>T (p.Asp998Val)

Gene: TSC1 (TSC complex subunit 1; minus strand). Cytogenetic location: 9q34.13.
Variant type: single nucleotide variant.
Coding change: c.2993A>T on transcript NM_000368.5 (MANE Select); coding-DNA position 2993, A replaced by T.
Protein change: p.Asp998Val; replaces aspartic acid 998 with valine.
Molecular consequence: missense variant.
Genome position (GRCh38, 1-based): chr9:132,896,737, T>A on the plus strand (A>T on the coding strand, the complement: TSC1 is on the minus strand). VCF-style: chr9-132896737-T-A. GRCh37 (hg19) VCF-style: chr9-135772124-T-A.
Other names: c.2990A>T, p.Asp997Val (NM_001162426.2, NM_001406597.1, NM_001406598.1 and 2 more transcripts); c.2840A>T, p.Asp947Val (NM_001162427.2, NM_001406610.1); c.2630A>T, p.Asp877Val (NM_001362177.2, NM_001406614.1, NM_001406615.1 and 4 more transcripts); c.2993A>T, p.Asp998Val (NM_001406592.1, NM_001406593.1, NM_001406594.1 and 2 more transcripts); c.2837A>T, p.Asp946Val (NM_001406611.1, NM_001406612.1); c.2795A>T, p.Asp932Val (NM_001406613.1); c.1940A>T, p.Asp647Val (NM_001406630.1, NM_001406629.1); c.2978A>T, p.Asp993Val (NM_001406601.1, NM_001406602.1); and 8 more; short protein forms D647V, D680V, D681V, D862V, D863V, D876V, D877V, D932V.
Identifiers: ClinVar variation 1718899 (VCV001718899.5), dbSNP rs2131616467, ClinGen allele CA375367989.
Genomic context (GRCh38, chr9:132,896,737, plus strand): 5'-GTCTCACCGTTGTGGCCAGATGCCTCTTCATTGTGCCCTACCATGGAATCTGAGCACCCG[T>A]CATTACAACAGTCAAGCCTGTAAGAAAGCCGGGGAGGAAAAAAGGAGCTGGTGATTGGAC-3'
Protein context (NP_000359.1, residues 988-1008): AAEERLDCCN[Asp998Val]GCSDSMVGHN